The following is an entry in ClinVar:

NM_000260.4(MYO7A):c.1822C>T (p.Pro608Ser)

Gene: MYO7A (myosin VIIA; plus strand). Cytogenetic location: 11q13.5.
Variant type: single nucleotide variant.
Coding change: c.1822C>T on transcript NM_000260.4 (MANE Select); coding-DNA position 1822, C replaced by T.
Protein change: p.Pro608Ser; replaces proline 608 with serine.
Molecular consequence: missense variant.
Genome position (GRCh38, 1-based): chr11:77,172,772, C>T. VCF-style: chr11-77172772-C-T. GRCh37 (hg19) VCF-style: chr11-76883818-C-T.
Other names: c.1822C>T (NM_000260.3); c.1822C>T, p.Pro608Ser (NM_001127180.2); c.1789C>T, p.Pro597Ser (NM_001369365.1); short protein forms P608S, P597S.
Identifiers: ClinVar variation 1982855 (VCV001982855.5), dbSNP rs782369998, ClinGen allele CA381938246.
Genomic context (GRCh38, chr11:77,172,772, plus strand): 5'-CACAGCCCCTCCCATCGCTGCCGTCCGTCCCCCCAGGGCGCCGAGACCAGGAAGCGCTCG[C>T]CCACACTTAGCAGCCAGTTCAAGCGGTCACTGGAGCTGCTGATGCGCACGCTGGGTGCCT-3'
Protein context (NP_000251.3, residues 598-618): AMGAETRKRS[Pro608Ser]TLSSQFKRSL

ClinVar aggregate classification (germline): Uncertain significance. Review status: criteria provided, multiple submitters, no conflicts (2 of 4 stars). 2 submissions from 2 submitters: Uncertain significance (2). Last evaluated 2025-10-23.

Conditions:
Inborn genetic diseases. Identifiers: MedGen C0950123, MeSH D030342.

gnomAD v4.1: 4 of 1,559,474 alleles (0.00026%); highest among the groups gnomAD compares: East Asian, 0.0048%; no homozygotes.

Submissions (2):

Ambry Genetics
Classification: Uncertain significance for Inborn genetic diseases. Last evaluated: 2025-10-23. Review status: criteria provided, single submitter. Criteria: Ambry Variant Classification Scheme 2023. Collection method: clinical testing. Allele origin: germline.

Labcorp Genetics (formerly Invitae), Labcorp
Classification: Uncertain significance. Last evaluated: 2022-10-07. Review status: criteria provided, single submitter. Criteria: Invitae Variant Classification Sherloc (09022015). Collection method: clinical testing. Allele origin: germline.
Comment: This variant has not been reported in the literature in individuals affected with MYO7A-related conditions. In summary, the available evidence is currently insufficient to determine the role of this variant in disease. Therefore, it has been classified as a Variant of Uncertain Significance. Advanced modeling of protein sequence and biophysical properties (such as structural, functional, and spatial information, amino acid conservation, physicochemical variation, residue mobility, and thermodynamic stability) has been performed at Invitae for this missense variant, however the output from this modeling did not meet the statistical confidence thresholds required to predict the impact of this variant on MYO7A protein function. This variant is not present in population databases (gnomAD no frequency). This sequence change replaces proline, which is neutral and non-polar, with serine, which is neutral and polar, at codon 608 of the MYO7A protein (p.Pro608Ser).